The following is an entry in ClinVar:

ClinVar aggregate classification (germline): Uncertain significance. Review status: criteria provided, multiple submitters, no conflicts (2 of 4 stars). 2 submissions from 2 submitters: Uncertain significance (2). Last evaluated 2025-06-28.

Conditions:
Long QT syndrome (LQTS). Identifiers: MedGen C0023976, MeSH D008133, MONDO:0002442. Disease mechanism: loss of function. Inheritance: Various modes of inheritance.

Allele frequency attached by ClinVar (database versions not stated): gnomAD 0.00001; gnomAD exomes 0.00001; TOPMed 0.00001.
gnomAD v4.1: 14 of 1,613,852 alleles (0.00087%); highest among the groups gnomAD compares: Admixed American, 0.0033%; no homozygotes.

Submissions (2):

Labcorp Genetics (formerly Invitae), Labcorp
Classification: Uncertain significance for Long QT syndrome. Last evaluated: 2025-06-28. Review status: criteria provided, single submitter. Criteria: Invitae Variant Classification Sherloc (09022015). Collection method: clinical testing. Allele origin: germline.
Comment: This sequence change replaces arginine, which is basic and polar, with tryptophan, which is neutral and slightly polar, at codon 3049 of the ANK2 protein (p.Arg3049Trp). This variant is present in population databases (no rsID available, gnomAD 0.006%). This missense change has been observed in individual(s) with clinical features of ANK2-related conditions (PMID: 34088380). ClinVar contains an entry for this variant (Variation ID: 1677102). An algorithm developed to predict the effect of missense changes on protein structure and function (PolyPhen-2) suggests that this variant is likely to be disruptive. In summary, the available evidence is currently insufficient to determine the role of this variant in disease. Therefore, it has been classified as a Variant of Uncertain Significance.

Women's Health and Genetics/Laboratory Corporation of America, LabCorp
Classification: Uncertain significance. Last evaluated: 2022-03-14. Review status: criteria provided, single submitter. Criteria: LabCorp Variant Classification Summary - May 2015. Collection method: clinical testing. Allele origin: germline.
Comment: Variant summary: ANK2 c.9145C>T (p.Arg3049Trp) results in a non-conservative amino acid change in the encoded protein sequence. Five of five in-silico tools predict a damaging effect of the variant on protein function. The variant allele was found at a frequency of 8e-06 in 250506 control chromosomes. The available data on variant occurrences in the general population are insufficient to allow any conclusion about variant significance. c.9145C>T has been reported in the literature in individuals affected with LVNC. These reports do not provide unequivocal conclusions about association of the variant with Long QT Syndrome. Co-occurrence with a likely pathogenic variant has been reported (ACTC1 c.281A>G, p.Asn94Ser), providing supporting evidence for a benign role. To our knowledge, no experimental evidence demonstrating an impact on protein function has been reported. No clinical diagnostic laboratories have submitted clinical-significance assessments for this variant to ClinVar after 2014. Based on the evidence outlined above, the variant was classified as uncertain significance.

Literature cited by the submitters: PubMed 34088380 (cited by Labcorp Genetics (formerly Invitae), Labcorp and Women's Health and Genetics/Laboratory Corporation of America, LabCorp); PubMed 30471092 (cited by Women's Health and Genetics/Laboratory Corporation of America, LabCorp); PubMed 34819141 (cited by Women's Health and Genetics/Laboratory Corporation of America, LabCorp).

NM_001148.6(ANK2):c.9145C>T (p.Arg3049Trp)

Gene: ANK2 (ankyrin 2; plus strand). Cytogenetic location: 4q26.
Variant type: single nucleotide variant.
Coding change: c.9145C>T on transcript NM_001148.6 (MANE Select); coding-DNA position 9145, C replaced by T.
Protein change: p.Arg3049Trp; replaces arginine 3049 with tryptophan.
Molecular consequence: missense variant. On other transcripts: intron variant (68).
Genome position (GRCh38, 1-based): chr4:113,357,763, C>T. VCF-style: chr4-113357763-C-T. GRCh37 (hg19) VCF-style: chr4-114278919-C-T.
Other names: c.8911C>T, p.Arg2971Trp (NM_001386142.1); c.5545C>T, p.Arg1849Trp (NM_001386166.1); c.9286C>T, p.Arg3096Trp (NM_001386174.1); c.9262C>T, p.Arg3088Trp (NM_001386175.1); c.4412-3060C>T (NM_001386186.2, NM_001386148.2); c.4214-3060C>T (NM_001354269.3); c.4292-3060C>T (NM_001386187.2); c.4253-3060C>T (NM_001386147.1); and 35 more; short protein forms R1849W, R2971W, R3049W, R3088W, R3096W.
Identifiers: ClinVar variation 1677102 (VCV001677102.2), dbSNP rs1201870166, ClinGen allele CA357936691.